The following is an entry in ClinVar:

ClinVar aggregate classification (germline): Uncertain significance (1 of 4 stars; one submission).

Conditions:
Ehlers-Danlos syndrome, classic type, 1 (EDSCL1). Also called: EHLERS-DANLOS SYNDROME, GRAVIS TYPE; EHLERS-DANLOS SYNDROME, SEVERE CLASSIC TYPE; Ehlers-Danlos syndrome, type 1; Ehlers-Danlos Syndrome, Classic Type, COL5A1-Related; EDS I. Identifiers: MedGen C0268335, MONDO:0019567, OMIM 130000.

Submission:

Labcorp Genetics (formerly Invitae), Labcorp
Classification: Uncertain significance for Ehlers-Danlos syndrome, classic type, 1. Last evaluated: 2025-03-17. Review status: criteria provided, single submitter. Criteria: Invitae Variant Classification Sherloc (09022015). Collection method: clinical testing. Allele origin: germline.
Comment: This sequence change replaces methionine, which is neutral and non-polar, with threonine, which is neutral and polar, at codon 1608 of the COL5A1 protein (p.Met1608Thr). This variant is not present in population databases (gnomAD no frequency). This variant has not been reported in the literature in individuals affected with COL5A1-related conditions. Invitae Evidence Modeling of protein sequence and biophysical properties (such as structural, functional, and spatial information, amino acid conservation, physicochemical variation, residue mobility, and thermodynamic stability) indicates that this missense variant is not expected to disrupt COL5A1 protein function with a negative predictive value of 80%. In summary, the available evidence is currently insufficient to determine the role of this variant in disease. Therefore, it has been classified as a Variant of Uncertain Significance.

NM_000093.5(COL5A1):c.4823T>C (p.Met1608Thr)

Genes: COL5A1 (collagen type V alpha 1 chain; plus strand), LOC101448202 (uncharacterized LOC101448202; minus strand). Cytogenetic location: 9q34.3.
Variant type: single nucleotide variant.
Coding change: c.4823T>C on transcript NM_000093.5 (MANE Select); coding-DNA position 4823, T replaced by C.
Protein change: p.Met1608Thr; replaces methionine 1608 with threonine.
Molecular consequence: missense variant.
Genome position (GRCh38, 1-based): chr9:134,824,724, T>C. VCF-style: chr9-134824724-T-C. GRCh37 (hg19) VCF-style: chr9-137716570-T-C.
Other names: c.4823T>C, p.Met1608Thr (NM_001278074.1); short protein forms M1608T.
Identifiers: ClinVar variation 3719763 (VCV003719763.2).